The following is an entry in ClinVar:

ClinVar aggregate classification (germline): Uncertain significance (1 of 4 stars; one submission).

Submission:

Labcorp Genetics (formerly Invitae), Labcorp
Classification: Uncertain significance. Last evaluated: 2025-09-30. Review status: criteria provided, single submitter. Criteria: Invitae Variant Classification Sherloc (09022015). Collection method: clinical testing. Allele origin: germline.
Comment: This sequence change replaces threonine, which is neutral and polar, with methionine, which is neutral and non-polar, at codon 38 of the CEACAM16 protein (p.Thr38Met). This variant is present in population databases (rs764066317, gnomAD 0.01%). This variant has not been reported in the literature in individuals affected with CEACAM16-related conditions. Invitae Evidence Modeling of protein sequence and biophysical properties (such as structural, functional, and spatial information, amino acid conservation, physicochemical variation, residue mobility, and thermodynamic stability) indicates that this missense variant is not expected to disrupt CEACAM16 protein function with a negative predictive value of 80%. In summary, the available evidence is currently insufficient to determine the role of this variant in disease. Therefore, it has been classified as a Variant of Uncertain Significance.

NM_001039213.4(CEACAM16):c.113C>T (p.Thr38Met)

Genes: CEACAM16 (CEA cell adhesion molecule 16, tectorial membrane component; plus strand), CEACAM16-AS1 (CEACAM16, CEACAM19 and PVR antisense RNA 1; minus strand). Cytogenetic location: 19q13.32.
Variant type: single nucleotide variant.
Coding change: c.113C>T on transcript NM_001039213.4 (MANE Select); coding-DNA position 113, C replaced by T.
Protein change: p.Thr38Met; replaces threonine 38 with methionine.
Molecular consequence: missense variant.
Genome position (GRCh38, 1-based): chr19:44,703,424, C>T. VCF-style: chr19-44703424-C-T. GRCh37 (hg19) VCF-style: chr19-45206694-C-T.
Other names: short protein forms T38M.
Identifiers: ClinVar variation 4705503 (VCV004705503.1).
Genomic context (GRCh38, chr19:44,703,424, plus strand): 5'-TGGGGGCCGAGATCTCTATCACCCTGGAGCCTGCCCAGCCGAGCGAAGGGGACAACGTCA[C>T]GCTGGTCGTCCATGGGCTTTCGGGGGAACTGCTCGCCTACAGCTGGTATGCGGGGCCCAC-3'
Protein context (NP_001034302.2, residues 28-48): PAQPSEGDNV[Thr38Met]LVVHGLSGEL